The following is an entry in ClinVar:

NM_000334.4(SCN4A):c.1333G>T (p.Val445Leu)

Gene: SCN4A (sodium voltage-gated channel alpha subunit 4; minus strand). Cytogenetic location: 17q23.3.
Variant type: single nucleotide variant.
Coding change: c.1333G>T on transcript NM_000334.4 (MANE Select); coding-DNA position 1333, G replaced by T.
Protein change: p.Val445Leu; replaces valine 445 with leucine.
Molecular consequence: missense variant.
Genome position (GRCh38, 1-based): chr17:63,964,587, C>A on the plus strand (G>T on the coding strand, the complement: SCN4A is on the minus strand). VCF-style: chr17-63964587-C-A. GRCh37 (hg19) VCF-style: chr17-62041947-C-A.
Other names: short protein forms V445L.
Identifiers: ClinVar variation 373945 (VCV000373945.4), dbSNP rs121908552, ClinGen allele CA16043537.

ClinVar aggregate classification (germline): Conflicting classifications of pathogenicity. Review status: criteria provided, conflicting classifications (1 of 4 stars). 4 submissions from 1 submitter: Likely pathogenic (2); Uncertain significance (1). 1 of the submissions does not count toward it. Last evaluated 2017-01-01.

Conditions:
Batten-Turner congenital myopathy. Also called: Myotonia congenita; Congenital myotonia. Identifiers: Orphanet 206973, MedGen C0027127, MONDO:0100468, OMIM 255300.
Hyperkalemic periodic paralysis. Also called: Familial hyperkalemic periodic paralysis; Gamstorp disease. Identifiers: Orphanet 682, MedGen C0238357, MONDO:0008224, OMIM 170500, HP:0007215.
Muscle weakness. Identifiers: MedGen C0151786, HP:0001324.
Limb pain. Identifiers: MedGen C0030196, HP:0009763.
EMG: myotonic discharges. Identifiers: MedGen C4022169, HP:0100284.
Pain. Identifiers: MedGen C0030193, HP:0012531.
Distal sensory impairment. Identifiers: MedGen C1847584, HP:0002936.
Myotonia. Identifiers: MedGen C0700153, HP:0002486.

gnomAD v4.1: 1 of 1,613,752 alleles (0.000062%); no homozygotes.

Submissions (4):

Centre for Mendelian Genomics, University Medical Centre Ljubljana
Classification: Likely pathogenic for Distal sensory impairment; EMG: myotonic discharges; Limb pain; Muscle weakness; Pain. Last evaluated: 2017-01-01. Review status: criteria provided, single submitter. Criteria: ACMG Guidelines, 2015. Collection method: clinical testing. Allele origin: unknown. Affected: yes.

Centre for Mendelian Genomics, University Medical Centre Ljubljana
Classification: Likely pathogenic for Hyperkalemic periodic paralysis. Last evaluated: 2016-01-01. Review status: criteria provided, single submitter. Criteria: ACMG Guidelines, 2015. Collection method: clinical testing. Allele origin: unknown. Affected: yes.
Comment: This variant was classified as: Likely pathogenic.

Centre for Mendelian Genomics, University Medical Centre Ljubljana
Classification: Uncertain significance for Muscle weakness; Myotonia. Last evaluated: 2014-06-11. Review status: criteria provided, single submitter. Criteria: ACMG Guidelines, 2015. Collection method: clinical testing. Allele origin: unknown. Affected: yes.

Centre for Mendelian Genomics, University Medical Centre Ljubljana
Classification: Likely pathogenic for Myotonia congenita. Last evaluated: 2016-06-23. Review status: no assertion criteria provided. Collection method: clinical testing. Allele origin: unknown. Affected: yes. Not counted in ClinVar's aggregate classification.